The following is an entry in ClinVar:

NM_000548.5(TSC2):c.4990-26_4990-4dup

Gene: TSC2 (TSC complex subunit 2; plus strand). Cytogenetic location: 16p13.3.
Variant type: Duplication.
Coding change: c.4990-26_4990-4dup on transcript NM_000548.5 (MANE Select); 26 bases into the intron before coding-DNA position 4990 through 4 bases into the intron before coding-DNA position 4990, 23 bases duplicated (GATGACCCTTTCTCTTGTCCGGG).
Molecular consequence: intron variant.
Genome position (GRCh38, 1-based): chr16:2,087,837-2,087,859, GATGACCCTTTCTCTTGTCCGGG duplicated; duplicating any 23 consecutive bases within chr16:2,087,833-2,087,859 gives the same sequence; the c. name uses the placement nearest the transcript's 3' end. VCF-style (leftmost placement, unchanged base first): chr16-2087832-G-GCGGGGATGACCCTTTCTCTTGTC. GRCh37 (hg19) VCF-style: chr16-2137833-G-GCGGGGATGACCCTTTCTCTTGTC.
Other names: c.3448-26_3448-4dup (NM_001406693.1, NM_001406692.1, NM_001406694.1); c.4882-26_4882-4dup (NM_001406667.1); c.4879-26_4879-4dup (NM_001406668.1); c.4390-26_4390-4dup (NM_001406680.1); c.4321-26_4321-4dup (NM_001406683.1, NM_001406682.1); c.4189-26_4189-4dup (NM_001406687.1, NM_001406688.1); c.3577-26_3577-4dup (NM_001406689.1); c.3517-26_3517-4dup (NM_001406690.1); and 26 more.
Identifiers: ClinVar variation 4071175 (VCV004071175.1).

ClinVar aggregate classification (germline): Benign (1 of 4 stars; one submission).

Conditions:
Tuberous sclerosis 2 (TSC2). Identifiers: Orphanet 805, MedGen C1860707, MONDO:0013199, OMIM 613254.

Submission:

Myriad Genetics, Inc.
Classification: Benign for Tuberous sclerosis 2. Last evaluated: 2025-06-05. Review status: criteria provided, single submitter. Criteria: Myriad Autosomal Dominant, Autosomal Recessive and X-Linked Classification Criteria (2023). Collection method: clinical testing. Allele origin: unknown.
Comment: This variant is considered benign. This variant is intronic and is not expected to impact mRNA splicing.